The following is an entry in ClinVar:

ClinVar aggregate classification (germline): Uncertain significance. Review status: criteria provided, multiple submitters, no conflicts (2 of 4 stars). 4 submissions from 4 submitters: Uncertain significance (4). Last evaluated 2026-01-25.

Conditions:
Mitochondrial complex II deficiency, nuclear type 1. Also called: SUCCINATE CoQ REDUCTASE DEFICIENCY. Identifiers: Orphanet 3208, MedGen C5700310, MONDO:0100294, OMIM 252011.
Pheochromocytoma/paraganglioma syndrome 5. Also called: Paragangliomas 5; SDHA-Related Hereditary Paraganglioma-Pheochromocytoma Syndrome. Identifiers: Orphanet 29072, MedGen C3279992, MONDO:0013602, OMIM 614165.
Dilated cardiomyopathy 1GG (CMD1GG). Identifiers: Orphanet 154, MedGen C3150898, MONDO:0013339, OMIM 613642.
Hereditary cancer-predisposing syndrome. Also called: Hereditary Cancer Syndrome; Neoplastic Syndromes, Hereditary; Tumor predisposition; Hereditary neoplastic syndrome. Identifiers: Orphanet 140162, MedGen C0027672, MeSH D009386, MONDO:0015356.

gnomAD v4.1: 1 of 1,613,984 alleles (0.000062%); highest among the groups gnomAD compares: South Asian, 0.0011%; no homozygotes.

Submissions (4):

Labcorp Genetics (formerly Invitae), Labcorp
Classification: Uncertain significance for Pheochromocytoma/paraganglioma syndrome 5; Mitochondrial complex II deficiency, nuclear type 1. Last evaluated: 2026-01-25. Review status: criteria provided, single submitter. Criteria: Invitae Variant Classification Sherloc (09022015). Collection method: clinical testing. Allele origin: germline.
Comment: This sequence change replaces tyrosine, which is neutral and polar, with phenylalanine, which is neutral and non-polar, at codon 597 of the SDHA protein (p.Tyr597Phe). This variant is not present in population databases (gnomAD no frequency). This variant has not been reported in the literature in individuals affected with SDHA-related conditions. ClinVar contains an entry for this variant (Variation ID: 934304). Invitae Evidence Modeling of protein sequence and biophysical properties (such as structural, functional, and spatial information, amino acid conservation, physicochemical variation, residue mobility, and thermodynamic stability) indicates that this missense variant is not expected to disrupt SDHA protein function with a negative predictive value of 95%. In summary, the available evidence is currently insufficient to determine the role of this variant in disease. Therefore, it has been classified as a Variant of Uncertain Significance.

Ambry Genetics
Classification: Uncertain significance for Hereditary cancer-predisposing syndrome. Last evaluated: 2024-04-19. Review status: criteria provided, single submitter. Criteria: Ambry Variant Classification Scheme 2023. Collection method: clinical testing. Allele origin: germline.
Comment: The p.Y597F variant (also known as c.1790A>T), located in coding exon 13 of the SDHA gene, results from an A to T substitution at nucleotide position 1790. The tyrosine at codon 597 is replaced by phenylalanine, an amino acid with highly similar properties. This amino acid position is conserved. In addition, the in silico prediction for this alteration is inconclusive. Based on the available evidence, the clinical significance of this variant remains unclear.

Baylor Genetics
Classification: Uncertain significance for Dilated cardiomyopathy 1GG. Last evaluated: 2024-02-29. Review status: criteria provided, single submitter. Criteria: ACMG Guidelines, 2015. Collection method: clinical testing. Allele origin: unknown.

GeneDx
Classification: Uncertain significance. Last evaluated: 2023-12-19. Review status: criteria provided, single submitter. Criteria: GeneDx Variant Classification Process June 2021. Collection method: clinical testing. Allele origin: germline. Affected: yes.
Comment: Not observed at significant frequency in large population cohorts (gnomAD); In silico analysis supports that this missense variant does not alter protein structure/function; Has not been previously published as pathogenic or benign to our knowledge

NM_004168.4(SDHA):c.1790A>T (p.Tyr597Phe)

Gene: SDHA (succinate dehydrogenase complex flavoprotein subunit A; plus strand). Cytogenetic location: 5p15.33.
Variant type: single nucleotide variant.
Coding change: c.1790A>T on transcript NM_004168.4 (MANE Select); coding-DNA position 1790, A replaced by T.
Protein change: p.Tyr597Phe; replaces tyrosine 597 with phenylalanine.
Molecular consequence: missense variant. On other transcripts: intron variant (1).
Genome position (GRCh38, 1-based): chr5:251,464, A>T. VCF-style: chr5-251464-A-T. GRCh37 (hg19) VCF-style: chr5-251579-A-T.
Other names: c.1646A>T, p.Tyr549Phe (NM_001294332.2); c.1552-2929A>T (NM_001330758.2); c.1790A>T (NM_004168.2); short protein forms Y549F, Y597F.
Identifiers: ClinVar variation 934304 (VCV000934304.13), dbSNP rs1736828708, ClinGen allele CA359000487.